The following is an entry in ClinVar:

NM_000038.6(APC):c.646-4010G>A

Gene: APC (APC regulator of WNT signaling pathway; plus strand). Cytogenetic location: 5q22.2.
Variant type: single nucleotide variant.
Coding change: c.646-4010G>A on transcript NM_000038.6 (MANE Select); 4010 bases into the intron before coding-DNA position 646, G replaced by A.
Molecular consequence: intron variant.
Genome position (GRCh38, 1-based): chr5:112,788,436, G>A. VCF-style: chr5-112788436-G-A. GRCh37 (hg19) VCF-style: chr5-112124133-G-A.
Other names: c.646-4010G>A (NM_001354895.2, NM_001127510.3, NM_001354896.2 and 1 more transcripts); c.676-4010G>A (NM_001354897.2, NM_001354902.2); c.675+7533G>A (NM_001127511.3); c.571-4010G>A (NM_001354898.2, NM_001354904.2); c.-390-4010G>A (NM_001354906.2); c.645+7533G>A (NM_001354899.2); c.469-4010G>A (NM_001354900.2, NM_001354901.2, NM_001354905.2).
Identifiers: ClinVar variation 82978 (VCV000082978.2), dbSNP rs76304327, ClinGen allele CA011890.

ClinVar aggregate classification (germline): other (0 of 4 stars; one submission).

Conditions:
Familial colorectal cancer. Identifiers: MedGen CN280943, MONDO:0023113. Disease mechanism: loss of function.

Submission:

Systems Biology Platform Zhejiang California International NanoSystems Institute
Classification: other for Familial colorectal cancer. Review status: no assertion criteria provided. Collection method: not provided. Allele origin: unknown.
ClinVar note: Converted during submission from cancer to other.